The following is an entry in ClinVar:

NM_005159.5(ACTC1):c.1039A>G (p.Ile347Val)

Genes: ACTC1 (actin alpha cardiac muscle 1; minus strand), GJD2-DT (GJD2 divergent transcript; plus strand). Cytogenetic location: 15q14.
Variant type: single nucleotide variant.
Coding change: c.1039A>G on transcript NM_005159.5 (MANE Select); coding-DNA position 1039, A replaced by G.
Protein change: p.Ile347Val; replaces isoleucine 347 with valine.
Molecular consequence: missense variant.
Genome position (GRCh38, 1-based): chr15:34,790,507, T>C on the plus strand (A>G on the coding strand, the complement: ACTC1 is on the minus strand). VCF-style: chr15-34790507-T-C. GRCh37 (hg19) VCF-style: chr15-35082708-T-C.
Other names: short protein forms I347V.
Identifiers: ClinVar variation 179882 (VCV000179882.4), dbSNP rs727505192, ClinGen allele CA019618.

ClinVar aggregate classification (germline): Uncertain significance (1 of 4 stars; one submission).

Submission:

Laboratory for Molecular Medicine, Mass General Brigham Personalized Medicine
Classification: Uncertain significance. Last evaluated: 2014-07-14. Review status: criteria provided, single submitter. Criteria: LMM Criteria. Collection method: clinical testing. Allele origin: germline. Observed: 1 variant allele.
Comment: The Ile347Val variant in ACTC1 has not been previously reported in individuals w ith cardiomyopathy and was absent from large population studies. Computational p rediction tools and conservation analysis do not provide strong support for or a gainst an impact to the protein. In summary, the clinical significance of the Il e347Val variant is uncertain.